The following is an entry in ClinVar:

NM_000365.6(TPI1):c.484G>A (p.Val162Ile)

Gene: TPI1 (triosephosphate isomerase 1; plus strand). Cytogenetic location: 12p13.31.
Variant type: single nucleotide variant.
Coding change: c.484G>A on transcript NM_000365.6 (MANE Select); coding-DNA position 484, G replaced by A.
Protein change: p.Val162Ile; replaces valine 162 with isoleucine.
Molecular consequence: missense variant.
Genome position (GRCh38, 1-based): chr12:6,869,714, G>A. VCF-style: chr12-6869714-G-A. GRCh37 (hg19) VCF-style: chr12-6978878-G-A.
Other names: c.595G>A, p.Val199Ile (NM_001159287.1); c.238G>A, p.Val80Ile (NM_001258026.2); short protein forms V199I, V162I, V80I.
Identifiers: ClinVar variation 1515555 (VCV001515555.8), dbSNP rs782391534, ClinGen allele CA6418960.

ClinVar aggregate classification (germline): Uncertain significance (1 of 4 stars; one submission).

Allele frequency attached by ClinVar (database versions not stated): gnomAD 0.00003 and 0.00004; TOPMed 0.00003; gnomAD exomes 0.00006 and 0.00008; ExAC 0.00012.
gnomAD v4.1: 93 of 1,614,070 alleles (0.0058%); highest among the groups gnomAD compares: Non-Finnish European, 0.0069%; no homozygotes.

Submission:

Labcorp Genetics (formerly Invitae), Labcorp
Classification: Uncertain significance. Last evaluated: 2023-08-07. Review status: criteria provided, single submitter. Criteria: Invitae Variant Classification Sherloc (09022015). Collection method: clinical testing. Allele origin: germline.
Comment: This variant has not been reported in the literature in individuals affected with TPI1-related conditions. This sequence change replaces valine, which is neutral and non-polar, with isoleucine, which is neutral and non-polar, at codon 162 of the TPI1 protein (p.Val162Ile). This variant is present in population databases (rs782391534, gnomAD 0.01%). ClinVar contains an entry for this variant (Variation ID: 1515555). An algorithm developed to predict the effect of missense changes on protein structure and function (PolyPhen-2) suggests that this variant is likely to be tolerated. In summary, the available evidence is currently insufficient to determine the role of this variant in disease. Therefore, it has been classified as a Variant of Uncertain Significance.